The following is an entry in ClinVar:

ClinVar aggregate classification (germline): Benign (0 of 4 stars; one submission).

Conditions:
SHROOM2-related disorder. Also called: SHROOM2-related condition.

Allele frequency attached by ClinVar (database versions not stated): ExAC 0.00226; gnomAD 0.00641; 1000 Genomes Project 30x 0.00708; ESP Exome Variant Server 0.00710; 1000 Genomes Project 0.00768.
gnomAD v4.1: 1,444 of 1,209,010 alleles (0.12%); highest among the groups gnomAD compares: African/African-American, 2.2%; 14 homozygotes.

Submission:

PreventionGenetics, part of Exact Sciences
Classification: Benign for SHROOM2-related condition. Last evaluated: 2024-07-30. Review status: no assertion criteria provided. Collection method: clinical testing. Allele origin: germline.
Comment: This variant is classified as benign based on ACMG/AMP sequence variant interpretation guidelines (Richards et al. 2015 PMID: 25741868, with internal and published modifications).

NM_001649.4(SHROOM2):c.2573C>G (p.Ala858Gly)

Gene: SHROOM2 (shroom family member 2; plus strand). Cytogenetic location: Xp22.2.
Variant type: single nucleotide variant.
Coding change: c.2573C>G on transcript NM_001649.4 (MANE Select); coding-DNA position 2573, C replaced by G.
Protein change: p.Ala858Gly; replaces alanine 858 with glycine.
Molecular consequence: missense variant.
Genome position (GRCh38, 1-based): chrX:9,896,481, C>G. VCF-style: chrX-9896481-C-G. GRCh37 (hg19) VCF-style: chrX-9864521-C-G.
Other names: short protein forms A858G.
Identifiers: ClinVar variation 3053815 (VCV003053815.2), dbSNP rs73474584, ClinGen allele CA10345585.